The following is an entry in ClinVar:

ClinVar aggregate classification (germline): Uncertain significance (1 of 4 stars; one submission).

Conditions:
Aortic aneurysm, familial thoracic 7 (AAT7). Also called: AORTIC DISSECTION, FAMILIAL, WITH OR WITHOUT AORTIC ANEURYSM. Identifiers: MedGen C3151077, MONDO:0013418, OMIM 613780.

gnomAD v4.1: 1 of 1,565,038 alleles (0.000064%); no homozygotes.

Submission:

Labcorp Genetics (formerly Invitae), Labcorp
Classification: Uncertain significance for Aortic aneurysm, familial thoracic 7. Last evaluated: 2025-11-28. Review status: criteria provided, single submitter. Criteria: Invitae Variant Classification Sherloc (09022015). Collection method: clinical testing. Allele origin: germline.
Comment: This sequence change replaces glycine, which is neutral and non-polar, with arginine, which is basic and polar, at codon 590 of the MYLK protein (p.Gly590Arg). This variant is not present in population databases (gnomAD no frequency). This variant has not been reported in the literature in individuals affected with MYLK-related conditions. Invitae Evidence Modeling of protein sequence and biophysical properties (such as structural, functional, and spatial information, amino acid conservation, physicochemical variation, residue mobility, and thermodynamic stability) indicates that this missense variant is not expected to disrupt MYLK protein function with a negative predictive value of 80%. In summary, the available evidence is currently insufficient to determine the role of this variant in disease. Therefore, it has been classified as a Variant of Uncertain Significance.

NM_053025.4(MYLK):c.1768G>C (p.Gly590Arg)

Gene: MYLK (myosin light chain kinase; minus strand). Cytogenetic location: 3q21.1.
Variant type: single nucleotide variant.
Coding change: c.1768G>C on transcript NM_053025.4 (MANE Select); coding-DNA position 1768, G replaced by C.
Protein change: p.Gly590Arg; replaces glycine 590 with arginine.
Molecular consequence: missense variant.
Genome position (GRCh38, 1-based): chr3:123,722,164, C>G on the plus strand (G>C on the coding strand, the complement: MYLK is on the minus strand). VCF-style: chr3-123722164-C-G. GRCh37 (hg19) VCF-style: chr3-123441011-C-G.
Other names: c.1240G>C, p.Gly414Arg (NM_001321309.2); c.1561G>C, p.Gly521Arg (NM_053026.4, NM_053028.4); c.1768G>C, p.Gly590Arg (NM_053027.4); short protein forms G521R, G590R, G414R.
Identifiers: ClinVar variation 4743661 (VCV004743661.1).
Genomic context (GRCh38, chr3:123,722,164, plus strand): 5'-ACCCAGGTGCCCAGAGGCTCCTACCATGGACGGTGACCCAGGCGCTGCAGGACACCTGCC[C>G]CAAGGCATTCTCAGCTAGGCAGGTGTAGGTGCCATGGTCCTCCGGCAGGGCATCCTGGAT-3'
Protein context (NP_444253.3, residues 580-600): TYTCLAENAL[Gly590Arg]QVSCSAWVTV